The following is an entry in ClinVar:

NM_000090.4(COL3A1):c.2359C>A (p.Leu787Ile)

Genes: COL3A1 (collagen type III alpha 1 chain; plus strand), LOC126806446 (P300/CBP strongly-dependent group 1 enhancer GRCh37_chr2:189866210-189867409; plus strand). Cytogenetic location: 2q32.2.
Variant type: single nucleotide variant.
Coding change: c.2359C>A on transcript NM_000090.4 (MANE Select); coding-DNA position 2359, C replaced by A.
Protein change: p.Leu787Ile; replaces leucine 787 with isoleucine.
Molecular consequence: missense variant.
Genome position (GRCh38, 1-based): chr2:189,001,557, C>A. VCF-style: chr2-189001557-C-A. GRCh37 (hg19) VCF-style: chr2-189866283-C-A.
Other names: short protein forms L787I.
Identifiers: ClinVar variation 2702717 (VCV002702717.3), dbSNP rs2469148068, ClinGen allele CA349842496.
Genomic context (GRCh38, chr2:189,001,557, plus strand): 5'-TTTGGATGCAAGACAGTGACATGGCTTCTCTTTTTCCAGGGTGAAGGTGGTGCCCCCGGA[C>A]TTCCAGGTATAGCTGGACCTCGTGGTAGCCCTGTAAGTGTTAAAGACATTCTCAACATAC-3'
Protein context (NP_000081.2, residues 777-797): GDKGEGGAPG[Leu787Ile]PGIAGPRGSP

ClinVar aggregate classification (germline): Uncertain significance (1 of 4 stars; one submission).

Conditions:
Ehlers-Danlos syndrome, type 4 (EDSVASC). Also called: Ehlers-Danlos Syndrome Type IV; Ehlers-Danlos syndrome vascular type; Ehlers Danlos syndrome, ecchymotic type; Ehlers Danlos syndrome, arterial type; Ehlers Danlos syndrome, Sack-Barabas type. Identifiers: Orphanet 286, MedGen C0268338, MONDO:0017314, OMIM 130050.

Allele frequency attached by ClinVar (database versions not stated): gnomAD exomes below 0.00001.
gnomAD v4.1: 1 of 1,614,056 alleles (0.000062%); highest among the groups gnomAD compares: African/African-American, 0.0013%; no homozygotes.

Submission:

Labcorp Genetics (formerly Invitae), Labcorp
Classification: Uncertain significance for Ehlers-Danlos syndrome, type 4. Last evaluated: 2023-12-13. Review status: criteria provided, single submitter. Criteria: Invitae Variant Classification Sherloc (09022015). Collection method: clinical testing. Allele origin: germline.
Comment: This sequence change replaces leucine, which is neutral and non-polar, with isoleucine, which is neutral and non-polar, at codon 787 of the COL3A1 protein (p.Leu787Ile). This variant is not present in population databases (gnomAD no frequency). This variant has not been reported in the literature in individuals affected with COL3A1-related conditions. Advanced modeling of protein sequence and biophysical properties (such as structural, functional, and spatial information, amino acid conservation, physicochemical variation, residue mobility, and thermodynamic stability) performed at Invitae indicates that this missense variant is not expected to disrupt COL3A1 protein function with a negative predictive value of 95%. In summary, the available evidence is currently insufficient to determine the role of this variant in disease. Therefore, it has been classified as a Variant of Uncertain Significance.